The following is an entry in ClinVar:

NM_014423.4(AFF4):c.762T>C (p.Thr254=)

Gene: AFF4 (ALF transcription elongation factor 4; minus strand). Cytogenetic location: 5q31.1.
Variant type: single nucleotide variant.
Coding change: c.762T>C on transcript NM_014423.4 (MANE Select); coding-DNA position 762, T replaced by C.
Protein change: p.Thr254=; no amino-acid change (threonine 254 retained).
Molecular consequence: synonymous variant.
Genome position (GRCh38, 1-based): chr5:132,934,303, A>G on the plus strand (T>C on the coding strand, the complement: AFF4 is on the minus strand). VCF-style: chr5-132934303-A-G. GRCh37 (hg19) VCF-style: chr5-132269995-A-G.
Other names: c.762T>C (NM_014423.3).
Identifiers: ClinVar variation 1943449 (VCV001943449.6), dbSNP rs1761368713, ClinGen allele CA446499412.
Genomic context (GRCh38, chr5:132,934,303, plus strand): 5'-GTGCTCAGAGGACAGCTTTGGTTCCATGGACTCCTGTCCGTCCATGGGCCGCACATAGGC[A>G]GTGGGTTTCTGTAACATTGAATTGGACTTTGACATCAATGAGGGTGGGAAAGATTGAGTT-3'
Protein context (NP_055238.1, residues 244-264): SKSNSMLQKP[Thr254=]AYVRPMDGQE

ClinVar aggregate classification (germline): Likely benign. Review status: criteria provided, multiple submitters, no conflicts (2 of 4 stars). 2 submissions from 2 submitters: Likely benign (2). Last evaluated 2025-06-11.

Conditions:
AFF4-related disorder. Also called: AFF4-related condition.
Cognitive impairment - coarse facies - heart defects - obesity - pulmonary involvement - short stature - skeletal dysplasia syndrome. Also called: AFF4-Related CHOPS Syndrome; Chops syndrome; COGNITIVE IMPAIRMENT, COARSE FACIES, HEART DEFECTS, OBESITY, PULMONARY INVOLVEMENT, SHORT STATURE, AND SKELETAL DYSPLASIA. Identifiers: Orphanet 444077, MedGen C4085597, MONDO:0014609, OMIM 616368.

Allele frequency attached by ClinVar (database versions not stated): gnomAD exomes below 0.00001; TOPMed below 0.00001; gnomAD 0.00001.
gnomAD v4.1: 7 of 1,614,060 alleles (0.00043%); highest among the groups gnomAD compares: Non-Finnish European, 0.00059%; no homozygotes.

Submissions (2):

PreventionGenetics, part of Exact Sciences
Classification: Likely benign for AFF4-related condition. Last evaluated: 2025-06-11. Review status: criteria provided, single submitter. Criteria: ACMG Guidelines, 2015. Collection method: clinical testing. Allele origin: germline.
Comment: This variant is classified as likely benign based on ACMG/AMP sequence variant interpretation guidelines (Richards et al. 2015 PMID: 25741868, with internal and published modifications).

Labcorp Genetics (formerly Invitae), Labcorp
Classification: Likely benign for Cognitive impairment - coarse facies - heart defects - obesity - pulmonary involvement - short stature - skeletal dysplasia syndrome. Last evaluated: 2022-07-28. Review status: criteria provided, single submitter. Criteria: Invitae Variant Classification Sherloc (09022015). Collection method: clinical testing. Allele origin: germline.